The following is an entry in ClinVar:

NM_000020.3(ACVRL1):c.303_313+2del

Gene: ACVRL1 (activin A receptor like type 1; plus strand). Cytogenetic location: 12q13.13.
Variant type: Deletion.
Coding change: c.303_313+2del on transcript NM_000020.3 (MANE Select); coding-DNA position 303 through the canonical splice donor site of the intron after coding-DNA position 313, 13 bases deleted (GGTGCTGGAGGGT).
Molecular consequence: splice donor variant. On other transcripts: intron variant (1).
Genome position (GRCh38, 1-based): chr12:51,913,340-51,913,352, GGTGCTGGAGGGT deleted; deleting any 13 consecutive bases within chr12:51,913,339-51,913,352 gives the same sequence; the c. name uses the placement nearest the transcript's 3' end. VCF-style (leftmost placement, unchanged base first): chr12-51913338-CTGGTGCTGGAGGG-C. GRCh37 (hg19) VCF-style: chr12-52307122-CTGGTGCTGGAGGG-C.
Other names: c.303_313+2del (NM_001406487.1, NM_001406491.1, NM_001406488.1 and 6 more transcripts); c.61+805_61+817del (NM_001406495.1).
Identifiers: ClinVar variation 2748217 (VCV002748217.3), dbSNP rs2540159312, ClinGen allele CA2697559266.

ClinVar aggregate classification (germline): Pathogenic (1 of 4 stars; one submission).

Conditions:
Telangiectasia, hereditary hemorrhagic, type 2 (HHT2). Also called: Telangiectasia, hereditary hemorrhagic, type II; ACVRL1-Related Hereditary Hemorrhagic Telangiectasia. Identifiers: Orphanet 774, MedGen C1838163, MONDO:0010880, OMIM 600376. Disease mechanism: loss of function.

Submission:

Labcorp Genetics (formerly Invitae), Labcorp
Classification: Pathogenic for Telangiectasia, hereditary hemorrhagic, type 2. Last evaluated: 2023-07-29. Review status: criteria provided, single submitter. Criteria: Invitae Variant Classification Sherloc (09022015). Collection method: clinical testing. Allele origin: germline.
Comment: This variant results in the deletion of part of exon 3 (c.303_313+2del) of the ACVRL1 gene. It is expected to disrupt RNA splicing. Variants that disrupt the donor or acceptor splice site typically lead to a loss of protein function (PMID: 16199547), and loss-of-function variants in ACVRL1 are known to be pathogenic (PMID: 15879500). This variant is not present in population databases (gnomAD no frequency). This variant has been observed in individual(s) with clinical features of hereditary hemorrhagic telangiectasia (Invitae). Algorithms developed to predict the effect of sequence changes on RNA splicing suggest that this variant may disrupt the consensus splice site. For these reasons, this variant has been classified as Pathogenic.

Literature cited by the submitters: PubMed 16199547; PubMed 15879500.